The following is an entry in ClinVar:

NM_001127222.2(CACNA1A):c.2617G>C (p.Gly873Arg)

Gene: CACNA1A (calcium voltage-gated channel subunit alpha1 A; minus strand). Cytogenetic location: 19p13.13.
Variant type: single nucleotide variant.
Coding change: c.2617G>C on transcript NM_001127222.2 (MANE Select); coding-DNA position 2617, G replaced by C.
Protein change: p.Gly873Arg; replaces glycine 873 with arginine.
Molecular consequence: missense variant.
Genome position (GRCh38, 1-based): chr19:13,299,016, C>G on the plus strand (G>C on the coding strand, the complement: CACNA1A is on the minus strand). VCF-style: chr19-13299016-C-G. GRCh37 (hg19) VCF-style: chr19-13409830-C-G.
Other names: c.2629G>C, p.Gly877Arg (NM_000068.4, NM_023035.3); c.2620G>C, p.Gly874Arg (NM_001127221.2, NM_001174080.2); short protein forms G874R, G877R, G873R.
Identifiers: ClinVar variation 392594 (VCV000392594.2), dbSNP rs750660386, ClinGen allele CA16608163.

ClinVar aggregate classification (germline): Uncertain significance (1 of 4 stars; one submission).

gnomAD v4.1: 1 of 1,588,448 alleles (0.000063%); highest among the groups gnomAD compares: Non-Finnish European, 0.000085%; no homozygotes.

Submission:

GeneDx
Classification: Uncertain significance. Last evaluated: 2017-01-12. Review status: criteria provided, single submitter. Criteria: GeneDx Variant Classification (06012015). Collection method: clinical testing. Allele origin: germline. Affected: yes.
Comment: A variant of uncertain significance has been identified in the CACNA1A gene. The G874R variant has not been published as a pathogenic variant, nor has it been reported as a benign variant to our knowledge. The G874R variant is not observed in large population cohorts (Lek et al., 2016; 1000 Genomes Consortium et al., 2015; Exome Variant Server). The G874R variant is a non-conservative amino acid substitution, which is likely to impact secondary protein structure as these residues differ in polarity, charge, size and/or other properties. However, this substitution occurs at a position that is not conserved and in silico analysis predicts this variant likely does not alter the protein structure/function. Therefore, based on the currently available information, it is unclear whether this variant is a pathogenic variant or a rare benign variant.